The following is an entry in ClinVar:

ClinVar aggregate classification (germline): Likely pathogenic (1 of 4 stars; one submission).

Conditions:
Hemorrhage. Identifiers: MedGen C0019080, MeSH D006470.

Allele frequency attached by ClinVar (database versions not stated): gnomAD exomes below 0.00001.
gnomAD v4.1: 2 of 1,614,168 alleles (0.00012%); highest among the groups gnomAD compares: Non-Finnish European, 0.00017%; no homozygotes.

Submission:

ISTH-SSC Genomics in Thrombosis and Hemostasis, KU Leuven, Center for Molecular and Vascular Biology
Classification: Likely pathogenic for Hemorrhage. Review status: criteria provided, single submitter. Criteria: ACMG Guidelines, 2015. Collection method: clinical testing. Allele origin: germline. Affected: yes. Observed: 1 heterozygote.
Comment: Submitted to the GoldVariant database by Kathleen Freson, Center for Molecular and Vascular Biology

NM_000185.4(SERPIND1):c.1147A>T (p.Lys383Ter)

Genes: PI4KA (phosphatidylinositol 4-kinase alpha; minus strand), SERPIND1 (serpin family D member 1; plus strand). Cytogenetic location: 22q11.21.
Variant type: single nucleotide variant.
Coding change: c.1147A>T on transcript NM_000185.4 (MANE Select); coding-DNA position 1147, A replaced by T.
Protein change: p.Lys383Ter; replaces lysine 383 with a stop codon.
Molecular consequence: nonsense. On other transcripts: intron variant (3).
Genome position (GRCh38, 1-based): chr22:20,784,229, A>T. VCF-style: chr22-20784229-A-T. GRCh37 (hg19) VCF-style: chr22-21138517-A-T.
Other names: c.2262+8964T>A (NM_001362863.2); c.2328+8964T>A (NM_001362862.2, NM_058004.4); short protein forms K383*.
Identifiers: ClinVar variation 2572113 (VCV002572113.1), dbSNP rs2518225484, ClinGen allele CA410775846.